The following is an entry in ClinVar:

NM_000093.5(COL5A1):c.4804G>A (p.Val1602Met)

Genes: COL5A1 (collagen type V alpha 1 chain; plus strand), LOC101448202 (uncharacterized LOC101448202; minus strand). Cytogenetic location: 9q34.3.
Variant type: single nucleotide variant.
Coding change: c.4804G>A on transcript NM_000093.5 (MANE Select); coding-DNA position 4804, G replaced by A.
Protein change: p.Val1602Met; replaces valine 1602 with methionine.
Molecular consequence: missense variant.
Genome position (GRCh38, 1-based): chr9:134,824,705, G>A. VCF-style: chr9-134824705-G-A. GRCh37 (hg19) VCF-style: chr9-137716551-G-A.
Other names: p.V1602M:GTG>ATG; c.4804G>A, p.Val1602Met (NM_001278074.1); short protein forms V1602M.
Identifiers: ClinVar variation 213058 (VCV000213058.53), dbSNP rs201771867, ClinGen allele CA322670.
Genomic context (GRCh38, chr9:134,824,705, plus strand): 5'-AGGACGCGGCGGAACATCGACGCCAGCCAGCTGCTGGACGACGGGAATGGCGAGAACTAC[G>A]TGGACTACGCGGACGGCATGGAAGAGATCTTCGGCTCTCTCAACTCTCTGAAGCTGGAGA-3'
Protein context (NP_000084.3, residues 1592-1612): LLDDGNGENY[Val1602Met]DYADGMEEIF

ClinVar aggregate classification (germline): Conflicting classifications of pathogenicity. Review status: criteria provided, conflicting classifications (1 of 4 stars). 3 submissions from 3 submitters: Uncertain significance (1); Likely benign (2). Last evaluated 2025-02-04.

Conditions:
Ehlers-Danlos syndrome, classic type, 1 (EDSCL1). Also called: Ehlers-Danlos Syndrome, Classic Type, COL5A1-Related; EHLERS-DANLOS SYNDROME, GRAVIS TYPE; EHLERS-DANLOS SYNDROME, SEVERE CLASSIC TYPE; Ehlers-Danlos syndrome, type 1; EDS I. Identifiers: MedGen C0268335, MONDO:0019567, OMIM 130000.
Familial thoracic aortic aneurysm and aortic dissection (TAAD). Also called: Thoracic aortic aneurysms and dissections. Identifiers: Orphanet 91387, MedGen C4707243, MONDO:0019625.

Allele frequency attached by ClinVar (database versions not stated): gnomAD 0.00005 and 0.00004; gnomAD exomes 0.00005 and 0.00003; ExAC 0.00008; 1000 Genomes Project 0.00020; TOPMed 0.00003; 1000 Genomes Project 30x 0.00016.
gnomAD v4.1: 56 of 1,614,210 alleles (0.0035%); highest among the groups gnomAD compares: African/African-American, 0.004%; no homozygotes.

Submissions (3):

Labcorp Genetics (formerly Invitae), Labcorp
Classification: Likely benign for Ehlers-Danlos syndrome, classic type, 1. Last evaluated: 2025-02-04. Review status: criteria provided, single submitter. Criteria: Invitae Variant Classification Sherloc (09022015). Collection method: clinical testing. Allele origin: germline.

GeneDx
Classification: Uncertain significance. Last evaluated: 2023-02-06. Review status: criteria provided, single submitter. Criteria: GeneDx Variant Classification Process June 2021. Collection method: clinical testing. Allele origin: germline. Affected: yes.
Comment: In silico analysis supports that this missense variant does not alter protein structure/function; Has not been previously published as pathogenic or benign to our knowledge; Not located in the triple helical region, where the majority of pathogenic missense variants occur (Symoens et al., 2012; HGMD); This variant is associated with the following publications: (PMID: 22696272)

Ambry Genetics
Classification: Likely benign for Familial thoracic aortic aneurysm and aortic dissection. Last evaluated: 2020-02-10. Review status: criteria provided, single submitter. Criteria: Ambry Variant Classification Scheme 2023. Collection method: clinical testing. Allele origin: germline.